The following is an entry in ClinVar:

NM_024596.5(MCPH1):c.2214C>T (p.Pro738=)

Genes: MCPH1 (microcephalin 1; plus strand), ANGPT2 (angiopoietin 2; minus strand). Cytogenetic location: 8p23.1.
Variant type: single nucleotide variant.
Coding change: c.2214C>T on transcript NM_024596.5 (MANE Select); coding-DNA position 2214, C replaced by T.
Protein change: p.Pro738=; no amino-acid change (proline 738 retained).
Molecular consequence: synonymous variant. On other transcripts: 3 prime UTR variant (6), intron variant (1).
Genome position (GRCh38, 1-based): chr8:6,499,929, C>T. VCF-style: chr8-6499929-C-T. GRCh37 (hg19) VCF-style: chr8-6357450-C-T.
Other names: c.*3172G>A (NM_001118887.2, NM_001118888.2, NM_001147.3 and 1 more transcripts); c.*3320G>A (NM_001386336.1, NM_001386337.1); c.2214C>T, p.Pro738= (NM_001322042.2, NM_001363979.1, NM_001410916.1 and 1 more transcripts); c.1935+44677C>T (NM_001363980.2).
Identifiers: ClinVar variation 158841 (VCV000158841.11), dbSNP rs35344839, ClinGen allele CA271694.
Genomic context (GRCh38, chr8:6,499,929, plus strand): 5'-ATTGGGTCACTGGATTTCTGAGGAGCCGTTCGAACTGTCTCACCACTTCCCTGCAGCTCC[C>T]GTAAGTCAGATGTTGTTTTACGATGGTAAATGCAGTTTGCTGTTCTCAAGAAATTATTAT-3'
Protein context (NP_078872.3, residues 728-748): FELSHHFPAA[Pro738=]LCRSECHLSA

ClinVar aggregate classification (germline): Uncertain significance. Review status: criteria provided, multiple submitters, no conflicts (2 of 4 stars). 3 submissions from 3 submitters: Uncertain significance (3). Last evaluated 2022-06-08.

Conditions:
Inborn genetic diseases. Identifiers: MedGen C0950123, MeSH D030342.
Microcephaly 1, primary, autosomal recessive (MCPH1). Also called: PREMATURE CHROMOSOME CONDENSATION SYNDROME; PCC SYNDROME; PREMATURE CHROMOSOME CONDENSATION WITH MICROCEPHALY AND MENTAL RETARDATION. Identifiers: Orphanet 2512, MedGen C1855081, MONDO:0009617, OMIM 251200.

Allele frequency attached by ClinVar (database versions not stated): gnomAD 0.00007 and 0.00009; ESP Exome Variant Server 0.00008; TOPMed 0.00010; 1000 Genomes Project 30x 0.00016; 1000 Genomes Project 0.00020.
gnomAD v4.1: 39 of 1,613,056 alleles (0.0024%); highest among the groups gnomAD compares: African/African-American, 0.024%; 1 homozygote.

Submissions (3):

Ambry Genetics
Classification: Uncertain significance for Inborn genetic diseases. Last evaluated: 2022-06-08. Review status: criteria provided, single submitter. Criteria: Ambry Variant Classification Scheme 2023. Collection method: clinical testing. Allele origin: germline.
Comment: Occurs in the last base pair of the exon Based on insufficient or conflicting evidence, the clinical significance of this alteration remains unclear.

Illumina Laboratory Services, Illumina
Classification: Uncertain significance for Microcephaly 1, primary, autosomal recessive. Last evaluated: 2018-01-13. Review status: criteria provided, single submitter. Criteria: ICSL Variant Classification Criteria 13 December 2019. Collection method: clinical testing. Allele origin: germline.

Genetic Services Laboratory, University of Chicago
Classification: Uncertain significance for Microcephaly 1, primary, autosomal recessive. Last evaluated: 2013-03-04. Review status: criteria provided, single submitter. Criteria: ACMG Guidelines, 2007. Collection method: clinical testing. Allele origin: germline. Inheritance: Autosomal recessive inheritance.